The following is an entry in ClinVar:

ClinVar aggregate classification (germline): Uncertain significance (1 of 4 stars; one submission).

Conditions:
Inborn genetic diseases. Identifiers: MedGen C0950123, MeSH D030342.

Allele frequency attached by ClinVar (database versions not stated): ExAC 0.00001; gnomAD exomes 0.00001.
gnomAD v4.1: 11 of 1,553,782 alleles (0.00071%); highest among the groups gnomAD compares: Non-Finnish European, 0.00096%; no homozygotes.

Submission:

Ambry Genetics
Classification: Uncertain significance for Inborn genetic diseases. Last evaluated: 2022-05-16. Review status: criteria provided, single submitter. Criteria: Ambry Variant Classification Scheme 2023. Collection method: clinical testing. Allele origin: germline.
Comment: The p.L464F variant (also known as c.1392G>T), located in coding exon 10 of the ACD gene, results from a G to T substitution at nucleotide position 1392. The leucine at codon 464 is replaced by phenylalanine, an amino acid with highly similar properties. This amino acid position is conserved. In addition, this alteration is predicted to be tolerated by in silico analysis. Since supporting evidence is limited at this time, the clinical significance of this alteration remains unclear.

NM_001082486.2(ACD):c.1134G>T (p.Leu378Phe)

Gene: ACD (ACD shelterin complex subunit and telomerase recruitment factor; minus strand). Cytogenetic location: 16q22.1.
Variant type: single nucleotide variant.
Coding change: c.1134G>T on transcript NM_001082486.2 (MANE Select); coding-DNA position 1134, G replaced by T.
Protein change: p.Leu378Phe; replaces leucine 378 with phenylalanine.
Molecular consequence: missense variant.
Genome position (GRCh38, 1-based): chr16:67,658,058, C>A on the plus strand (G>T on the coding strand, the complement: ACD is on the minus strand). VCF-style: chr16-67658058-C-A. GRCh37 (hg19) VCF-style: chr16-67691961-C-A.
Other names: c.1047G>T, p.Leu349Phe (NM_001410884.1); c.1125G>T, p.Leu375Phe (NM_022914.3); short protein forms L375F, L349F, L378F.
Identifiers: ClinVar variation 1771577 (VCV001771577.2), dbSNP rs772002326, ClinGen allele CA8114436.
Genomic context (GRCh38, chr16:67,658,058, plus strand): 5'-GGGCTCCTGGGCTCCCCTGGTAGCTCCGGTCCTGGGAAAAGGCGGCCGATTCTTGCAGGG[C>A]AACCCTACAAACTCCTTGAACTCCAGGCTAGGTTTCTGGGGCCTGGTCACAAGAGCCTGG-3'
Protein context (NP_001075955.2, residues 368-388): PSLEFKEFVG[Leu378Phe]PCKNRPPFPR